The following is an entry in ClinVar:

ClinVar aggregate classification (germline): Likely benign. Review status: criteria provided, multiple submitters, no conflicts (2 of 4 stars). 3 submissions from 3 submitters: Likely benign (3). Last evaluated 2018-06-14.

Allele frequency attached by ClinVar (database versions not stated): 1000 Genomes Project 0.00318; ExAC 0.01043; 1000 Genomes Project 30x 0.00354; gnomAD exomes 0.00987 and 0.01478; TOPMed 0.01195; gnomAD 0.01072 and 0.01192; ESP Exome Variant Server 0.01130.
gnomAD v4.1: 17,359 of 1,208,727 alleles (1.4%); highest among the groups gnomAD compares: Non-Finnish European, 1.7%; 97 homozygotes.

Submissions (3):

GeneDx
Classification: Likely benign. Last evaluated: 2018-06-14. Review status: criteria provided, single submitter. Criteria: GeneDx Variant Classification (06012015). Collection method: clinical testing. Allele origin: germline. Affected: yes.
Comment: This variant is considered likely benign or benign based on one or more of the following criteria: it is a conservative change, it occurs at a poorly conserved position in the protein, it is predicted to be benign by multiple in silico algorithms, and/or has population frequency not consistent with disease.

Breakthrough Genomics
Classification: Likely benign. Review status: criteria provided, single submitter. Criteria: ACMG Guidelines, 2015. Collection method: not provided. Allele origin: germline. Inheritance: X-linked inheritance. Affected: yes.

PreventionGenetics, part of Exact Sciences
Classification: Likely benign. Review status: criteria provided, single submitter. Criteria: ACMG Guidelines, 2015. Collection method: clinical testing. Allele origin: germline.

NM_005120.3(MED12):c.6045-24C>T

Gene: MED12 (mediator complex subunit 12; plus strand). Cytogenetic location: Xq13.1.
Variant type: single nucleotide variant.
Coding change: c.6045-24C>T on transcript NM_005120.3 (MANE Select); 24 bases into the intron before coding-DNA position 6045, C replaced by T.
Molecular consequence: intron variant.
Genome position (GRCh38, 1-based): chrX:71,140,611, C>T. VCF-style: chrX-71140611-C-T. GRCh37 (hg19) VCF-style: chrX-70360461-C-T.
Identifiers: ClinVar variation 259640 (VCV000259640.3), dbSNP rs140083803, ClinGen allele CA10444866.